The following is an entry in ClinVar:

NM_001365276.2(TNXB):c.9185G>T (p.Arg3062Leu)

Gene: TNXB (tenascin XB; minus strand). Cytogenetic location: 6p21.33.
Variant type: single nucleotide variant.
Coding change: c.9185G>T on transcript NM_001365276.2 (MANE Select); coding-DNA position 9185, G replaced by T.
Protein change: p.Arg3062Leu; replaces arginine 3062 with leucine.
Molecular consequence: missense variant.
Genome position (GRCh38, 1-based): chr6:32,050,252, C>A on the plus strand (G>T on the coding strand, the complement: TNXB is on the minus strand). VCF-style: chr6-32050252-C-A. GRCh37 (hg19) VCF-style: chr6-32018029-C-A.
Other names: p.Arg3060Leu; c.9179G>T (NM_019105.6); c.9926G>T, p.Arg3309Leu (NM_001428335.1); c.9179G>T, p.Arg3060Leu (NM_019105.8); short protein forms R3060L, R3062L, R3309L.
Identifiers: ClinVar variation 4541135 (VCV004541135.2).

ClinVar aggregate classification (germline): Uncertain significance. Review status: criteria provided, multiple submitters, no conflicts (2 of 4 stars). 2 submissions from 2 submitters: Uncertain significance (2). Last evaluated 2026-01-02.

Conditions:
Cardiovascular phenotype. Identifiers: MedGen CN230736.

gnomAD v4.1: 5 of 1,613,364 alleles (0.00031%); highest among the groups gnomAD compares: African/African-American, 0.004%; no homozygotes.

Submissions (2):

Ambry Genetics
Classification: Uncertain significance for Cardiovascular phenotype. Last evaluated: 2026-01-02. Review status: criteria provided, single submitter. Criteria: Ambry Variant Classification Scheme 2023. Collection method: clinical testing. Allele origin: germline.
Comment: The p.R3060L variant (also known as c.9179G>T), located in coding exon 26 of the TNXB gene, results from a G to T substitution at nucleotide position 9179. The arginine at codon 3060 is replaced by leucine, an amino acid with dissimilar properties. This amino acid position is conserved. In addition, this alteration is predicted to be tolerated by in silico analysis. Based on the available evidence, the clinical significance of this variant remains unclear.

Mayo Clinic Laboratories, Mayo Clinic
Classification: Uncertain significance. Last evaluated: 2025-08-14. Review status: criteria provided, single submitter. Criteria: ACMG Guidelines, 2015. Collection method: clinical testing. Allele origin: germline. Observed: 1 variant allele.
Comment: BP4_moderate, PM2_supporting